The following is an entry in ClinVar:

NM_004448.4(ERBB2):c.3428C>T (p.Pro1143Leu)

Gene: ERBB2 (erb-b2 receptor tyrosine kinase 2; plus strand). Cytogenetic location: 17q12.
Variant type: single nucleotide variant.
Coding change: c.3428C>T on transcript NM_004448.4 (MANE Select); coding-DNA position 3428, C replaced by T.
Protein change: p.Pro1143Leu; replaces proline 1143 with leucine.
Molecular consequence: missense variant. On other transcripts: 3 prime UTR variant (2), non-coding transcript variant (1).
Genome position (GRCh38, 1-based): chr17:39,727,704, C>T. VCF-style: chr17-39727704-C-T. GRCh37 (hg19) VCF-style: chr17-37883957-C-T.
Other names: c.3428C>T (NM_004448.2); c.3338C>T, p.Pro1113Leu (NM_001005862.3, NM_001382782.1, NM_001382783.1); c.3383C>T, p.Pro1128Leu (NM_001289936.2); c.*7C>T (NM_001289937.2, NM_001382803.1); c.3545C>T, p.Pro1182Leu (NM_001382784.1); c.3530C>T, p.Pro1177Leu (NM_001382785.1); c.3509C>T, p.Pro1170Leu (NM_001382786.1); c.3503C>T, p.Pro1168Leu (NM_001382787.1); and 17 more; short protein forms P1113L, P1143L, P1128L, P1057L, P1075L, P1081L, P1083L, P1091L.
Identifiers: ClinVar variation 134081 (VCV000134081.6), dbSNP rs587778269, ClinGen allele CA158656.
Genomic context (GRCh38, chr17:39,727,704, plus strand): 5'-CCGGGGTTCCTTCCCCTAATGGGTCACCTTCTCTTGACCTTTCAGAATATGTGAACCAGC[C>T]AGATGTTCGGCCCCAGCCCCCTTCGCCCCGAGAGGGCCCTCTGCCTGCTGCCCGACCTGC-3'
Protein context (NP_004439.2, residues 1133-1153): CSPQPEYVNQ[Pro1143Leu]DVRPQPPSPR

ClinVar aggregate classification (germline): Uncertain significance. Review status: criteria provided, multiple submitters, no conflicts (2 of 4 stars). 3 submissions from 3 submitters: Uncertain significance (2). 1 of the submissions does not count toward it. Last evaluated 2025-02-07.

Allele frequency attached by ClinVar (database versions not stated): gnomAD exomes 0.00001; ExAC 0.00001.
gnomAD v4.1: 16 of 1,554,740 alleles (0.001%); highest among the groups gnomAD compares: South Asian, 0.019%; no homozygotes.

Submissions (3):

Ambry Genetics
Classification: Uncertain significance. Last evaluated: 2025-02-07. Review status: criteria provided, single submitter. Criteria: Ambry Variant Classification Scheme 2023. Collection method: clinical testing. Allele origin: germline.

Labcorp Genetics (formerly Invitae), Labcorp
Classification: Uncertain significance. Last evaluated: 2024-04-03. Review status: criteria provided, single submitter. Criteria: Invitae Variant Classification Sherloc (09022015). Collection method: clinical testing. Allele origin: germline.
Comment: This sequence change replaces proline, which is neutral and non-polar, with leucine, which is neutral and non-polar, at codon 1143 of the ERBB2 protein (p.Pro1143Leu). This variant is present in population databases (rs587778269, gnomAD 0.009%). This variant has not been reported in the literature in individuals affected with ERBB2-related conditions. ClinVar contains an entry for this variant (Variation ID: 134081). Algorithms developed to predict the effect of missense changes on protein structure and function output the following: SIFT: "Not Available"; PolyPhen-2: "Benign"; Align-GVGD: "Not Available". The leucine amino acid residue is found in multiple mammalian species, which suggests that this missense change does not adversely affect protein function. In summary, the available evidence is currently insufficient to determine the role of this variant in disease. Therefore, it has been classified as a Variant of Uncertain Significance.

ITMI
No classification provided. Condition: AllHighlyPenetrant. Last evaluated: 2013-09-19. Review status: no classification provided. Collection method: reference population. Allele origin: germline. Not counted in ClinVar's aggregate classification.
Comment: Please see associated publication for description of ethnicities

Literature cited by the submitters: PubMed 24728327 (cited by ITMI).